The following is an entry in ClinVar:

ClinVar aggregate classification (germline): Conflicting classifications of pathogenicity. Review status: criteria provided, conflicting classifications (1 of 4 stars). 7 submissions from 6 submitters: Uncertain significance (1); Benign (1); Likely benign (5). Last evaluated 2026-01-07.

Conditions:
Cardiovascular phenotype. Identifiers: MedGen CN230736.
Tangier disease (TGD). Also called: HIGH DENSITY LIPOPROTEIN DEFICIENCY, TANGIER TYPE; HIGH DENSITY LIPOPROTEIN DEFICIENCY, TYPE 1; Cholesterol thesaurismosis. Identifiers: Orphanet 31150, MedGen C0039292, MONDO:0008783, OMIM 205400.
Hypoalphalipoproteinemia, primary, 1. Identifiers: Orphanet 425, MedGen C5231558, MONDO:0011393, OMIM 604091.

Allele frequency attached by ClinVar (database versions not stated): ESP Exome Variant Server 0.00015; TOPMed 0.00028; ExAC 0.00039.
gnomAD v4.1: 390 of 1,614,194 alleles (0.024%); highest among the groups gnomAD compares: Middle Eastern, 0.4%; no homozygotes.

Submissions (7):

Labcorp Genetics (formerly Invitae), Labcorp
Classification: Likely benign. Last evaluated: 2026-01-07. Review status: criteria provided, single submitter. Criteria: Invitae Variant Classification Sherloc (09022015). Collection method: clinical testing. Allele origin: germline.

Blueprint Genetics
Classification: Likely benign. Last evaluated: 2024-11-12. Review status: criteria provided, single submitter. Criteria: ACMG Guidelines, 2015. Collection method: clinical testing. Allele origin: germline.

Ambry Genetics
Classification: Likely benign for Cardiovascular phenotype. Last evaluated: 2023-04-24. Review status: criteria provided, single submitter. Criteria: Ambry Variant Classification Scheme 2023. Collection method: clinical testing. Allele origin: germline.

CeGaT Center for Human Genetics Tuebingen
Classification: Likely benign. Last evaluated: 2023-04-01. Review status: criteria provided, single submitter. Criteria: CeGaT Center For Human Genetics Tuebingen Variant Classification Criteria Version 2. Collection method: clinical testing. Allele origin: germline. Affected: yes. Observed: 1 variant allele.
Comment: ABCA1: BP4

Women's Health and Genetics/Laboratory Corporation of America, LabCorp
Classification: Likely benign. Last evaluated: 2019-10-29. Review status: criteria provided, single submitter. Criteria: LabCorp Variant Classification Summary - May 2015. Collection method: clinical testing. Allele origin: germline.
Comment: Variant summary: ABCA1 c.1338C>G (p.Asp446Glu) results in a conservative amino acid change in the encoded protein sequence. Five of five in-silico tools predict a benign effect of the variant on protein function. The variant allele was found at a frequency of 0.00049 in 251460 control chromosomes, predominantly at a frequency of 0.0011 within the Latino subpopulation in the gnomAD database. The observed variant frequency within Latino control individuals in the gnomAD database is approximately 88 fold of the estimated maximal expected allele frequency for a pathogenic variant in ABCA1 causing Early Onset Coronary Artery Disease phenotype (1.3e-05), strongly suggesting that the variant is a benign polymorphism found primarily in populations of Latino origin. c.1338C>G has been reported in the literature without strong evidence of causality (e.g. Johansen_2014, Peloso_2016). These reports however, do not provide unequivocal conclusions about association of the variant with Early Onset Coronary Artery Disease. To our knowledge, no experimental evidence demonstrating an impact on protein function has been reported. No clinical diagnostic laboratories have submitted clinical-significance assessments for this variant to ClinVar after 2014. Based on the evidence outlined above, the variant was classified as likely benign.

Illumina Laboratory Services, Illumina
Classification: Uncertain significance for Tangier disease. Last evaluated: 2018-01-12. Review status: criteria provided, single submitter. Criteria: ICSL Variant Classification Criteria 13 December 2019. Collection method: clinical testing. Allele origin: germline.

Illumina Laboratory Services, Illumina
Classification: Benign for Hypoalphalipoproteinemia, primary, 1. Last evaluated: 2018-01-12. Review status: criteria provided, single submitter. Criteria: ICSL Variant Classification Criteria 13 December 2019. Collection method: clinical testing. Allele origin: germline.
Comment: This variant was observed in the ICSL laboratory as part of a predisposition screen in an ostensibly healthy population. It had not been previously curated by ICSL or reported in the Human Gene Mutation Database (HGMD: prior to June 1st, 2018), and was therefore a candidate for classification through an automated scoring system. Utilizing variant allele frequency, disease prevalence and penetrance estimates, and inheritance mode, an automated score was calculated to assess if this variant is too frequent to cause the disease. Based on the score and internal cut-off values, a variant classified as benign is not then subjected to further curation. The score for this variant resulted in a classification of benign for this disease.

Literature cited by the submitters: PubMed 24503134 (cited by Ambry Genetics and Women's Health and Genetics/Laboratory Corporation of America, LabCorp); PubMed 26350511 (cited by Ambry Genetics and Women's Health and Genetics/Laboratory Corporation of America, LabCorp); PubMed 27745835 (cited by Ambry Genetics).

NM_005502.4(ABCA1):c.1338C>G (p.Asp446Glu)

Gene: ABCA1 (ATP binding cassette subfamily A member 1; minus strand). Cytogenetic location: 9q31.1.
Variant type: single nucleotide variant.
Coding change: c.1338C>G on transcript NM_005502.4 (MANE Select); coding-DNA position 1338, C replaced by G.
Protein change: p.Asp446Glu; replaces aspartic acid 446 with glutamic acid.
Molecular consequence: missense variant.
Genome position (GRCh38, 1-based): chr9:104,832,745, G>C on the plus strand (C>G on the coding strand, the complement: ABCA1 is on the minus strand). VCF-style: chr9-104832745-G-C. GRCh37 (hg19) VCF-style: chr9-107595026-G-C.
Other names: short protein forms D446E.
Identifiers: ClinVar variation 913029 (VCV000913029.40), dbSNP rs148314522, ClinGen allele CA5169041.